The following is an entry in ClinVar:

NM_015122.3(FCHO1):c.1898_1899delinsGG (p.Thr633Arg)

Gene: FCHO1 (FCH and mu domain containing endocytic adaptor 1; plus strand). Cytogenetic location: 19p13.11.
Variant type: Indel.
Coding change: c.1898_1899delinsGG on transcript NM_015122.3 (MANE Select); coding-DNA positions 1898 to 1899, CA replaced by GG.
Protein change: p.Thr633Arg; replaces threonine 633 with arginine.
Molecular consequence: missense variant. On other transcripts: non-coding transcript variant (36).
Genome position (GRCh38, 1-based): chr19:17,781,781-17,781,782, CA replaced by GG. VCF-style: chr19-17781781-CA-GG. GRCh37 (hg19) VCF-style: chr19-17892590-CA-GG.
Other names: c.1781_1782delinsGG, p.Thr594Arg (NM_001384394.1, NM_001384395.1, NM_001384392.1 and 1 more transcripts); c.1622_1623delinsGG, p.Thr541Arg (NM_001384396.1, NM_001384397.1, NM_001384398.1 and 5 more transcripts); c.1577_1578delinsGG, p.Thr526Arg (NM_001384403.1); c.1859_1860delinsGG, p.Thr620Arg (NM_001384405.1, NM_001384388.1, NM_001384389.1); c.1472_1473delinsGG, p.Thr491Arg (NM_001384406.1); c.1328_1329delinsGG, p.Thr443Arg (NM_001384407.1); c.1748_1749delinsGG, p.Thr583Arg (NM_001384384.1, NM_001384385.1, NM_001384386.1 and 1 more transcripts); c.1898_1899delinsGG, p.Thr633Arg (NM_001384387.1, NM_001384391.1, NM_001161357.2 and 13 more transcripts); and 1 more; short protein forms T526R, T541R, T443R, T594R, T491R, T583R, T633R, T608R.
Identifiers: ClinVar variation 4759957 (VCV004759957.1).
Genomic context (GRCh38, chr19:17,781,781, plus strand): 5'-GGGGTCCGAGCCCTGTGGTCCTGGGCTCCCAGGATGCCCTGCCCATAGCCACAGCCTTCA[CA>GG]GAGTATGTCCACGCCTACTTCCGTGGCCACAGCCCCAGGTACCCAGTGATGGGCAGACAG-3'
Protein context (NP_055937.1, residues 623-643): QDALPIATAF[Thr633Arg]EYVHAYFRGH

ClinVar aggregate classification (germline): Uncertain significance (1 of 4 stars; one submission).

Submission:

Labcorp Genetics (formerly Invitae), Labcorp
Classification: Uncertain significance. Last evaluated: 2025-10-26. Review status: criteria provided, single submitter. Criteria: Invitae Variant Classification Sherloc (09022015). Collection method: clinical testing. Allele origin: germline.
Comment: This sequence change replaces threonine, which is neutral and polar, with arginine, which is basic and polar, at codon 633 of the FCHO1 protein (p.Thr633Arg). The frequency data for this variant in the population databases is considered unreliable, as metrics indicate poor data quality at this position in the gnomAD database. This variant has not been reported in the literature in individuals affected with FCHO1-related conditions. An algorithm developed to predict the effect of missense changes on protein structure and function (PolyPhen-2) suggests that this variant is likely to be disruptive. In summary, the available evidence is currently insufficient to determine the role of this variant in disease. Therefore, it has been classified as a Variant of Uncertain Significance.